The following is an entry in ClinVar:

NM_203486.3(DLL3):c.713G>A (p.Arg238Gln)

Gene: DLL3 (delta like canonical Notch ligand 3; plus strand). Cytogenetic location: 19q13.2.
Variant type: single nucleotide variant.
Coding change: c.713G>A on transcript NM_203486.3 (MANE Select); coding-DNA position 713, G replaced by A.
Protein change: p.Arg238Gln; replaces arginine 238 with glutamine.
Molecular consequence: missense variant.
Genome position (GRCh38, 1-based): chr19:39,504,131, G>A. VCF-style: chr19-39504131-G-A. GRCh37 (hg19) VCF-style: chr19-39994771-G-A.
Other names: c.713G>A, p.Arg238Gln (NM_016941.4); c.713G>A (NM_016941.3); short protein forms R238Q.
Identifiers: ClinVar variation 1408625 (VCV001408625.6), dbSNP rs373253569, ClinGen allele CA9432255.

ClinVar aggregate classification (germline): Conflicting classifications of pathogenicity. Review status: criteria provided, conflicting classifications (1 of 4 stars). 2 submissions from 2 submitters: Uncertain significance (1); Likely benign (1). Last evaluated 2023-12-20.

Conditions:
Inborn genetic diseases. Identifiers: MedGen C0950123, MeSH D030342.

Allele frequency attached by ClinVar (database versions not stated): gnomAD 0.00001; ExAC 0.00002; gnomAD exomes 0.00003; TOPMed 0.00003; ESP Exome Variant Server 0.00008.
gnomAD v4.1: 30 of 1,612,800 alleles (0.0019%); highest among the groups gnomAD compares: Middle Eastern, 0.016%; no homozygotes.

Submissions (2):

Ambry Genetics
Classification: Likely benign for Inborn genetic diseases. Last evaluated: 2023-12-20. Review status: criteria provided, single submitter. Criteria: Ambry Variant Classification Scheme 2023. Collection method: clinical testing. Allele origin: germline.

Labcorp Genetics (formerly Invitae), Labcorp
Classification: Uncertain significance. Last evaluated: 2021-09-24. Review status: criteria provided, single submitter. Criteria: Invitae Variant Classification Sherloc (09022015). Collection method: clinical testing. Allele origin: germline.
Comment: This sequence change replaces arginine with glutamine at codon 238 of the DLL3 protein (p.Arg238Gln). The arginine residue is moderately conserved and there is a small physicochemical difference between arginine and glutamine. This variant is present in population databases (rs373253569, ExAC 0.005%). This variant has not been reported in the literature in individuals with DLL3-related conditions. Algorithms developed to predict the effect of missense changes on protein structure and function output the following: SIFT: "Deleterious"; PolyPhen-2: "Benign"; Align-GVGD: "Class C0". The glutamine amino acid residue is found in multiple mammalian species, suggesting that this missense change does not adversely affect protein function. These predictions have not been confirmed by published functional studies and their clinical significance is uncertain. In summary, the available evidence is currently insufficient to determine the role of this variant in disease. Therefore, it has been classified as a Variant of Uncertain Significance.